The following is an entry in ClinVar:

NM_000492.4(CFTR):c.3454G>C (p.Asp1152His)

Genes: CFTR (CF transmembrane conductance regulator; plus strand), CFTR-AS2 (CFTR antisense RNA 2; minus strand). Cytogenetic location: 7q31.2.
Variant type: single nucleotide variant.
Coding change: c.3454G>C on transcript NM_000492.4 (MANE Select); coding-DNA position 3454, G replaced by C.
Protein change: p.Asp1152His; replaces aspartic acid 1152 with histidine.
Molecular consequence: missense variant.
Genome position (GRCh38, 1-based): chr7:117,614,699, G>C. VCF-style: chr7-117614699-G-C. GRCh37 (hg19) VCF-style: chr7-117254753-G-C.
Other names: short protein forms D1152H.
Identifiers: ClinVar variation 35867 (VCV000035867.109), dbSNP rs75541969, ClinGen allele CA201825.
Genomic context (GRCh38, chr7:117,614,699, plus strand): 5'-ATCCTGACTTTAGCCATGAATATCATGAGTACATTGCAGTGGGCTGTAAACTCCAGCATA[G>C]ATGTGGATAGCTTGGTAAGTCTTATCATCTTTTTAACTTTTATGAAAAAAATTCAGACAA-3'
Protein context (NP_000483.3, residues 1142-1162): TLQWAVNSSI[Asp1152His]VDSLMRSVSR

ClinVar aggregate classification (germline): drug response. Review status: reviewed by expert panel (3 of 4 stars). 47 submissions from 42 submitters: drug response (1). 46 of the submissions do not count toward it. Last evaluated 2021-03-24.

Conditions:
CFTR-related disorder (CFTR-RD). Also called: CFTR-related condition; CFTR-related disorders. Identifiers: MedGen C5924204, MONDO:7770004.
Cystic fibrosis (CF). Also called: MUCOVISCIDOSIS. Identifiers: Orphanet 586, MedGen C0010674, MONDO:0009061, OMIM 219700. Disease mechanism: loss of function.
Congenital bilateral aplasia of vas deferens from CFTR mutation (CBAVD). Identifiers: Orphanet 48, MedGen C0403814, MONDO:0010178, OMIM 277180. Disease mechanism: loss of function.
Male infertility. Identifiers: MedGen C0021364, MeSH D007248, MONDO:0005372, HP:0003251.
Hereditary pancreatitis (PCTT). Also called: PRSS1-Related Hereditary Pancreatitis; Hereditary chronic pancreatitis. Identifiers: Orphanet 676, MedGen C0238339, MONDO:0008185, OMIM 167800.
Bronchiectasis with or without elevated sweat chloride 1 (BESC1). Also called: Cystic Fibrosis-Like Syndrome. Identifiers: Orphanet 60033, MedGen C2749757, MONDO:0008887, OMIM 211400.
Melanoma-pancreatic cancer syndrome. Identifiers: Orphanet 404560, MedGen C1838547, MONDO:0011713, OMIM 606719. Disease mechanism: loss of function.
ivacaftor response - Efficacy. Identifiers: MedGen CN322735.
Obstructive azoospermia. Identifiers: MedGen C4023106, HP:0011962.

Allele frequency attached by ClinVar (database versions not stated): TOPMed 0.00038; gnomAD 0.00033 and 0.00032; gnomAD exomes 0.00040; ESP Exome Variant Server 0.00023; ExAC 0.00026.
gnomAD v4.1: 641 of 1,610,026 alleles (0.04%); highest among the groups gnomAD compares: Admixed American, 0.068%; 1 homozygote.

Submissions 1 to 8 of 47:

ClinPGx
Classification: drug response for ivacaftor response - Efficacy. Last evaluated: 2021-03-24. Review status: reviewed by expert panel. Criteria: Pharmacogenomics knowledge for personalized medicine. Collection method: curation. Allele origin: germline. Affected: yes.
Comment: PharmGKB Level of Evidence 1A: Level 1A clinical annotations describe variant-drug combinations that have variant-specific prescribing guidance available in a current clinical guideline annotation or an FDA-approved drug label annotation. Annotations of drug labels or clinical guidelines must give prescribing guidance for specific variants (e.g. CYP2C9*3, HLA-B*57:01) or provide mapping from defined allele functions to diplotypes and phenotypes to be used as supporting evidence for a level 1A clinical annotation. Level 1A clinical annotations must also be supported by at least one publication in addition to a clinical guideline or drug label with variant-specific prescribing guidance.

Drug is not necessarily used to treat response condition

CeGaT Center for Human Genetics Tuebingen
Classification: Pathogenic. Last evaluated: 2026-07-01. Review status: criteria provided, single submitter. Criteria: CeGaT Center For Human Genetics Tuebingen Variant Classification Criteria Version 2. Collection method: clinical testing. Allele origin: germline. Affected: yes. Observed: 5 variant alleles. Not counted in ClinVar's aggregate classification.
Comment: CFTR: PM3:Very Strong, PM2:Supporting, PS3:Supporting

PreventionGenetics, part of Exact Sciences
Classification: Likely pathogenic for CFTR-related condition. Last evaluated: 2026-05-27. Review status: criteria provided, single submitter. Criteria: ACMG Guidelines, 2015. Collection method: clinical testing. Allele origin: germline. Not counted in ClinVar's aggregate classification.
Comment: The CFTR c.3454G>C variant is predicted to result in the amino acid substitution p.Asp1152His. This variant has been found in >700 patients who also carried a p.Phe508del variant (updated September 25, 2024). These individuals had slightly elevated chloride concentration of 43 mEq/L on a sweat test (normal <40 mEq/L). Individuals less than 20 years of age had normal lung function, but 28% had pancreatic insufficiency (updated September 25, 2024; Sosnay et al. 2013. PubMed ID: 23974870). This variant, when present with a second pathogenic variant, has been reported in patients with variable clinical presentations including bronchiectasis, pancreas insufficiency, chronic cough, and congenital bilateral absence of the vas deferens (Feldmann et al. 2003. PubMed ID: 12955726; Terlizzi et al. 2015. PubMed ID: 25583415). This variant is reported in 0.26% of alleles in individuals of Ashkenazi Jewish descent in gnomAD. This variant is interpreted as likely pathogenic.

Dasa
Classification: Pathogenic. Last evaluated: 2026-04-16. Review status: criteria provided, single submitter. Criteria: DASA Assertion Criteria. Collection method: clinical testing. Allele origin: germline. Not counted in ClinVar's aggregate classification.
Comment: NM_000492.4(CFTR):c.3454G>C (p.Asp1152His) is a missense variant that results in the substitution of aspartic acid with histidine. Functional evidence supports a deleterious effect on the gene or gene product (PMID: 9804160; PMID: 23891399; PMID: 25033378; PMID: 11883825; PMID: 15987793). This variant has been recurrently observed in individuals with related phenotype (PMID: 9804160; PMID: 23891399; PMID: 25033378; PMID: 11883825; PMID: 15987793). Multiple computational predictions support a deleterious effect on the gene or gene product. The variant is present at low frequency in population datasets. Based on the available data, this variant is classified as pathogenic.

Labcorp Genetics (formerly Invitae), Labcorp
Classification: Pathogenic for Cystic fibrosis. Last evaluated: 2026-01-28. Review status: criteria provided, single submitter. Criteria: Invitae Variant Classification Sherloc (09022015). Collection method: clinical testing. Allele origin: germline. Not counted in ClinVar's aggregate classification.
Comment: This sequence change replaces aspartic acid, which is acidic and polar, with histidine, which is basic and polar, at codon 1152 of the CFTR protein (p.Asp1152His). This variant is present in population databases (rs75541969, gnomAD 0.3%). This missense change has been observed in individuals with congenital absence of the vas deferens and classic cystic fibrosis (PMID: 7739684, 11883825, 15858154, 15987793, 16429425, 17003641, 17594398, 18301294, 19843100, 20460946, 21520337, 22156145, 23082198, 23951356, 25304080). ClinVar contains an entry for this variant (Variation ID: 35867). Invitae Evidence Modeling of protein sequence and biophysical properties (such as structural, functional, and spatial information, amino acid conservation, physicochemical variation, residue mobility, and thermodynamic stability) indicates that this missense variant is expected to disrupt CFTR protein function with a positive predictive value of 80%. Experimental studies have shown that this missense change affects CFTR function (PMID: 9804160, 23891399, 25033378). For these reasons, this variant has been classified as Pathogenic.

3billion
Classification: Pathogenic for Cystic fibrosis. Last evaluated: 2025-12-29. Review status: criteria provided, single submitter. Criteria: ACMG Guidelines, 2015. Collection method: clinical testing. Allele origin: germline. Affected: yes. Not counted in ClinVar's aggregate classification.
Comment: The variant is observed at an extremely low frequency in the gnomAD v4.1.0 dataset (total allele frequency: 0.040%). Predicted Consequence/Location: Missense variant In silico tool predictions suggest damaging effect of the variant on gene or gene product [REVEL: 0.66 (>=0.6, sensitivity 0.68 and specificity 0.92); 3Cnet: 0.86 (> 0.75, sensitivity 0.96 and precision 0.92)]. The same nucleotide change resulting in the same amino acid change has been previously reported as pathogenic/likely pathogenic with strong evidence (ClinVar ID: VCV000035867 /PMID: 7739684 /3billion dataset). The variant has been reported to be in trans with a pathogenic variant as either compound heterozygous or homozygous in at least 2 similarly affected unrelated individuals (PMID: 16429425, 25583415). Therefore, this variant is classified as Pathogenic according to the recommendation of ACMG/AMP guideline.

Institute of Human Genetics, University of Leipzig Medical Center
Classification: Likely pathogenic for Cystic fibrosis. Last evaluated: 2025-12-23. Review status: criteria provided, single submitter. Criteria: ACMG Guidelines, 2015. Collection method: clinical testing. Allele origin: unknown. Inheritance: Autosomal recessive inheritance. Affected: yes. Not counted in ClinVar's aggregate classification.
Comment: Criteria applied: PS3,PM3_STR

Natera, Inc.
Classification: Pathogenic for CFTR-related disorders. Last evaluated: 2025-09-08. Review status: criteria provided, single submitter. Criteria: Natera Variant Classification Schema (03/2026). Collection method: clinical testing. Allele origin: germline. Not counted in ClinVar's aggregate classification.
Comment: The c.3454G>C variant in CFTR is a missense variant predicted to cause substitution of aspartic acid to histidine at amino acid 1152. This variant is rare in the general population with a frequency below the threshold expected for the associated phenotype(s). This variant has been observed in one or more individuals affected with the associated recessive disease, as either homozygous or compound heterozygous with a second variant (PMID: 18301294, 36437230, 36238762). Computational prediction algorithms indicate this variant is likely to affect gene or protein function. Given the available evidence, this variant is classified as Pathogenic.